The following is an entry in ClinVar:

ClinVar aggregate classification (germline): Uncertain significance (1 of 4 stars; one submission).

Conditions:
WFS1-related disorder. Identifiers: MedGen CN379391, MONDO:0700293.

Submission:

PreventionGenetics, part of Exact Sciences
Classification: Uncertain significance for WFS1-related condition. Last evaluated: 2022-10-05. Review status: criteria provided, single submitter. Criteria: ACMG Guidelines, 2015. Collection method: clinical testing. Allele origin: germline.
Comment: The WFS1 c.1012A>C variant is predicted to result in the amino acid substitution p.Ile338Leu. To our knowledge, this variant has not been reported in the literature or in a large population database, indicating this variant is rare. At this time, the clinical significance of this variant is uncertain due to the absence of conclusive functional and genetic evidence.

NM_006005.3(WFS1):c.1012A>C (p.Ile338Leu)

Gene: WFS1 (wolframin ER transmembrane glycoprotein; plus strand). Cytogenetic location: 4p16.1.
Variant type: single nucleotide variant.
Coding change: c.1012A>C on transcript NM_006005.3 (MANE Select); coding-DNA position 1012, A replaced by C.
Protein change: p.Ile338Leu; replaces isoleucine 338 with leucine.
Molecular consequence: missense variant.
Genome position (GRCh38, 1-based): chr4:6,300,807, A>C. VCF-style: chr4-6300807-A-C. GRCh37 (hg19) VCF-style: chr4-6302534-A-C.
Other names: c.1012A>C, p.Ile338Leu (NM_001145853.1); short protein forms I338L.
Identifiers: ClinVar variation 2636956 (VCV002636956.1), dbSNP rs541594934, ClinGen allele CA356174068.